The following is an entry in ClinVar:

ClinVar aggregate classification (germline): Pathogenic/Likely pathogenic. Review status: criteria provided, multiple submitters, no conflicts (2 of 4 stars). 6 submissions from 6 submitters: Pathogenic (2); Likely pathogenic (3). 1 of the submissions does not count toward it. Last evaluated 2026-01-07.

Conditions:
Tay-Sachs disease (TSD). Also called: HEXA Disorders; HEXA DEFICIENCY; Hexosaminidase A Deficiency; GM2 gangliosidosis, type 1; Hexosaminidase alpha-subunit deficiency (variant B); Sphingolipidosis, Tay-Sachs. Identifiers: Orphanet 845, MedGen C0039373, MONDO:0010100, OMIM 272800.

Allele frequency attached by ClinVar (database versions not stated): ExAC 0.00001.
gnomAD v4.1: 7 of 1,613,736 alleles (0.00043%); highest among the groups gnomAD compares: South Asian, 0.0011%; no homozygotes.

Submissions (6):

Labcorp Genetics (formerly Invitae), Labcorp
Classification: Pathogenic for Tay-Sachs disease. Last evaluated: 2026-01-07. Review status: criteria provided, single submitter. Criteria: Invitae Variant Classification Sherloc (09022015). Collection method: clinical testing. Allele origin: germline.
Comment: This sequence change replaces alanine, which is neutral and non-polar, with threonine, which is neutral and polar, at codon 246 of the HEXA protein (p.Ala246Thr). This variant is present in population databases (rs758166013, gnomAD 0.0009%). This missense change has been observed in individual(s) with hexosaminidase A deficiency (PMID: 16088929, 18648917, 22789865). In at least one individual the data is consistent with being in trans (on the opposite chromosome) from a pathogenic variant. ClinVar contains an entry for this variant (Variation ID: 553250). Invitae Evidence Modeling of protein sequence and biophysical properties (such as structural, functional, and spatial information, amino acid conservation, physicochemical variation, residue mobility, and thermodynamic stability) indicates that this missense variant is expected to disrupt HEXA protein function with a positive predictive value of 95%. For these reasons, this variant has been classified as Pathogenic.

Natera, Inc.
Classification: Likely pathogenic for Tay-Sachs disease. Last evaluated: 2025-11-17. Review status: criteria provided, single submitter. Criteria: Natera Variant Classification Schema (03/2026). Collection method: clinical testing. Allele origin: germline.
Comment: The c.736G>A variant in HEXA is a missense variant predicted to cause substitution of alanine to threonine at amino acid 246. This variant is rare in the general population with a frequency below the threshold expected for the associated phenotype(s). This variant has been observed in one or more individuals affected with the associated recessive disease, as either homozygous or compound heterozygous with a second variant (PMID: 18648917, 16088929). Computational prediction algorithms indicate this variant is likely to affect gene or protein function. Given the available evidence, this variant is classified as Likely Pathogenic.

Women's Health and Genetics/Laboratory Corporation of America, LabCorp
Classification: Likely pathogenic for Tay-Sachs disease. Last evaluated: 2025-06-26. Review status: criteria provided, single submitter. Criteria: LabCorp Variant Classification Summary - May 2015. Collection method: clinical testing. Allele origin: germline.
Comment: Variant summary: HEXA c.736G>A (p.Ala246Thr) results in a non-conservative amino acid change in the encoded protein sequence. Algorithms developed to predict the effect of missense changes on protein structure and function all suggest that this variant is likely to be disruptive. The variant allele was found at a frequency of 4e-06 in 251682 control chromosomes. c.736G>A has been reported in the presumed compound heterozygous state in the literature in individuals affected with Tay-Sachs Disease (Montalvo_2005, Lee_2008, Gort_2012).These data indicate that the variant may be associated with disease. At least one publication reports experimental evidence evaluating an impact on protein function in patient samples. The most pronounced variant effect results in <10% of normal activity (Lee_2008). The following publications have been ascertained in the context of this evaluation (PMID: 22789865, 18648917, 16088929, 18490185, 31367523). ClinVar contains an entry for this variant (Variation ID: 553250). Based on the evidence outlined above, the variant was classified as likely pathogenic.

Victorian Clinical Genetics Services, Murdoch Childrens Research Institute
Classification: Pathogenic for Tay-Sachs disease. Last evaluated: 2023-07-16. Review status: criteria provided, single submitter. Criteria: ACMG Guidelines, 2015. Collection method: clinical testing. Allele origin: germline. Inheritance: Autosomal recessive inheritance. Affected: yes.
Comment: Based on the classification scheme VCGS_Germline_v1.3.4, this variant is classified as Pathogenic. Following criteria are met: 0102 - Loss of function is a known mechanism of disease in this gene and is associated with Tay-Sachs disease (MIM#272800). (I) 0106 - This gene is associated with autosomal recessive disease. (I) 0200 - Variant is predicted to result in a missense amino acid change from alanine to threonine. (I) 0251 - This variant is heterozygous. (I) 0304 - Variant is present in gnomAD <0.01 for a recessive condition (v2: 1 heterozygote, 0 homozygotes). (SP) 0309 - An alternative amino acid change at the same position has been observed in gnomAD (v2: 2 heterozygotes, 0 homozygotes). (I) 0501 - Missense variant consistently predicted to be damaging by multiple in silico tools or highly conserved with a major amino acid change. (SP) 0600 - Variant is located in the annotated glycosyl hydrolase family 20, catalytic domain (DECIPHER). (I) 0710 - Another missense variants comparable to the one identified in this case has inconclusive previous evidence for pathogenicity. p.(Ala246Ser) has been classified as a VUS by a diagnostic laboratory. (I) 0801 - This variant has strong previous evidence of pathogenicity in unrelated individuals. Despite being found in at least two Tay-Sachs patients, it has been classified as a VUS, likely pathogenic and pathogenic by a diagnostic laboratory (ClinVar; PMIDs: 16088929, 18648917, 22789865). (SP) 0905 - No published segregation evidence has been identified for this variant. (I) 1007 - No published functional evidence has been identified for this variant. (I) 1201 - Heterozygous variant detected in trans with a second pathogenic heterozygous variant (NM_000520.5:c.1444G>A; p.(Glu482Lys)) in a recessive disease. (I) Legend: (SP) - Supporting pathogenic, (I) - Information, (SB) - Supporting benign

Mendelics
Classification: Likely pathogenic for Tay-Sachs disease. Last evaluated: 2022-05-04. Review status: criteria provided, single submitter. Criteria: Mendelics Assertion Criteria 2019. Collection method: clinical testing. Allele origin: germline.

Counsyl
Classification: Uncertain significance for Tay-Sachs disease. Last evaluated: 2017-08-09. Review status: no assertion criteria provided. Collection method: clinical testing. Allele origin: unknown. Not counted in ClinVar's aggregate classification.

Literature cited by the submitters: PubMed 16088929 (cited by 5 submitters); PubMed 18648917 (cited by 5 submitters); PubMed 22789865 (cited by 4 submitters); PubMed 18490185 (cited by Women's Health and Genetics/Laboratory Corporation of America, LabCorp and Counsyl); PubMed 31367523 (cited by Women's Health and Genetics/Laboratory Corporation of America, LabCorp).

NM_000520.6(HEXA):c.736G>A (p.Ala246Thr)

Gene: HEXA (hexosaminidase subunit alpha; minus strand). Cytogenetic location: 15q23.
Variant type: single nucleotide variant.
Coding change: c.736G>A on transcript NM_000520.6 (MANE Select); coding-DNA position 736, G replaced by A.
Protein change: p.Ala246Thr; replaces alanine 246 with threonine.
Molecular consequence: missense variant. On other transcripts: non-coding transcript variant (1).
Genome position (GRCh38, 1-based): chr15:72,350,587, C>T on the plus strand (G>A on the coding strand, the complement: HEXA is on the minus strand). VCF-style: chr15-72350587-C-T. GRCh37 (hg19) VCF-style: chr15-72642928-C-T.
Other names: c.769G>A, p.Ala257Thr (NM_001318825.2); short protein forms A246T, A257T.
Identifiers: ClinVar variation 553250 (VCV000553250.14), dbSNP rs758166013, ClinGen allele CA7644908.